The following is an entry in ClinVar:

ClinVar aggregate classification (germline): Uncertain significance (1 of 4 stars; one submission).

Allele frequency attached by ClinVar (database versions not stated): TOPMed below 0.00001.
gnomAD v4.1: 3 of 1,614,124 alleles (0.00019%); highest among the groups gnomAD compares: Non-Finnish European, 0.00025%; no homozygotes.

Submission:

Labcorp Genetics (formerly Invitae), Labcorp
Classification: Uncertain significance. Last evaluated: 2022-06-25. Review status: criteria provided, single submitter. Criteria: Invitae Variant Classification Sherloc (09022015). Collection method: clinical testing. Allele origin: germline.
Comment: In summary, the available evidence is currently insufficient to determine the role of this variant in disease. Therefore, it has been classified as a Variant of Uncertain Significance. Algorithms developed to predict the effect of missense changes on protein structure and function are either unavailable or do not agree on the potential impact of this missense change (SIFT: "Deleterious"; PolyPhen-2: "Possibly Damaging"; Align-GVGD: "Class C0"). This variant has not been reported in the literature in individuals affected with CAD-related conditions. This variant is not present in population databases (gnomAD no frequency). This sequence change replaces alanine, which is neutral and non-polar, with serine, which is neutral and polar, at codon 877 of the CAD protein (p.Ala877Ser).

NM_004341.5(CAD):c.2629G>T (p.Ala877Ser)

Genes: CAD (carbamoyl-phosphate synthetase 2, aspartate transcarbamylase, and dihydroorotase; plus strand), LOC126806171 (BRD4-independent group 4 enhancer GRCh37_chr2:27454350-27455549; plus strand). Cytogenetic location: 2p23.3.
Variant type: single nucleotide variant.
Coding change: c.2629G>T on transcript NM_004341.5 (MANE Select); coding-DNA position 2629, G replaced by T.
Protein change: p.Ala877Ser; replaces alanine 877 with serine.
Molecular consequence: missense variant.
Genome position (GRCh38, 1-based): chr2:27,232,208, G>T. VCF-style: chr2-27232208-G-T. GRCh37 (hg19) VCF-style: chr2-27455076-G-T.
Other names: c.2440G>T, p.Ala814Ser (NM_001306079.2); short protein forms A814S, A877S.
Identifiers: ClinVar variation 2010613 (VCV002010613.4), dbSNP rs1405872435, ClinGen allele CA346212121.